The following is an entry in ClinVar:

ClinVar aggregate classification (germline): Uncertain significance (1 of 4 stars; one submission).

Submission:

Labcorp Genetics (formerly Invitae), Labcorp
Classification: Uncertain significance. Last evaluated: 2025-12-23. Review status: criteria provided, single submitter. Criteria: Invitae Variant Classification Sherloc (09022015). Collection method: clinical testing. Allele origin: germline.
Comment: This sequence change replaces valine, which is neutral and non-polar, with isoleucine, which is neutral and non-polar, at codon 1753 of the ANK1 protein (p.Val1753Ile). This variant is not present in population databases (gnomAD no frequency). This variant has not been reported in the literature in individuals affected with ANK1-related conditions. Invitae Evidence Modeling of protein sequence and biophysical properties (such as structural, functional, and spatial information, amino acid conservation, physicochemical variation, residue mobility, and thermodynamic stability) indicates that this missense variant is not expected to disrupt ANK1 protein function with a negative predictive value of 80%. In summary, the available evidence is currently insufficient to determine the role of this variant in disease. Therefore, it has been classified as a Variant of Uncertain Significance.

NM_000037.4(ANK1):c.5257G>A (p.Val1753Ile)

Gene: ANK1 (ankyrin 1; minus strand). Cytogenetic location: 8p11.21.
Variant type: single nucleotide variant.
Coding change: c.5257G>A on transcript NM_000037.4 (MANE Select); coding-DNA position 5257, G replaced by A.
Protein change: p.Val1753Ile; replaces valine 1753 with isoleucine.
Molecular consequence: missense variant.
Genome position (GRCh38, 1-based): chr8:41,668,404, C>T on the plus strand (G>A on the coding strand, the complement: ANK1 is on the minus strand). VCF-style: chr8-41668404-C-T. GRCh37 (hg19) VCF-style: chr8-41525922-C-T.
Other names: c.4771G>A, p.Val1591Ile (NM_020477.3); c.5380G>A, p.Val1794Ile (NM_001142446.2); c.5257G>A, p.Val1753Ile (NM_020475.3, NM_020476.3); short protein forms V1591I, V1753I, V1794I.
Identifiers: ClinVar variation 4775540 (VCV004775540.1).